The following is an entry in ClinVar:

NM_001754.5(RUNX1):c.1032C>A (p.Asp344Glu)

Gene: RUNX1 (RUNX family transcription factor 1; minus strand). Cytogenetic location: 21q22.12.
Variant type: single nucleotide variant.
Coding change: c.1032C>A on transcript NM_001754.5 (MANE Select); coding-DNA position 1032, C replaced by A.
Protein change: p.Asp344Glu; replaces aspartic acid 344 with glutamic acid.
Molecular consequence: missense variant.
Genome position (GRCh38, 1-based): chr21:34,792,546, G>T on the plus strand (C>A on the coding strand, the complement: RUNX1 is on the minus strand). VCF-style: chr21-34792546-G-T. GRCh37 (hg19) VCF-style: chr21-36164843-G-T.
Other names: c.951C>A, p.Asp317Glu (NM_001001890.3); short protein forms D317E, D344E.
Identifiers: ClinVar variation 4158216 (VCV004158216.1).

ClinVar aggregate classification (germline): Uncertain significance (1 of 4 stars; one submission).

Conditions:
Inborn genetic diseases. Identifiers: MedGen C0950123, MeSH D030342.

gnomAD v4.1: 1 of 1,607,144 alleles (0.000062%); highest among the groups gnomAD compares: Non-Finnish European, 0.000085%; no homozygotes.

Submission:

Ambry Genetics
Classification: Uncertain significance for Inborn genetic diseases. Last evaluated: 2025-08-07. Review status: criteria provided, single submitter. Criteria: Ambry Variant Classification Scheme 2023. Collection method: clinical testing. Allele origin: germline.
Comment: The p.D344E variant (also known as c.1032C>A), located in coding exon 8 of the RUNX1 gene, results from a C to A substitution at nucleotide position 1032. The aspartic acid at codon 344 is replaced by glutamic acid, an amino acid with highly similar properties. This amino acid position is conserved. In addition, this alteration is predicted to be tolerated by in silico analysis. Based on the available evidence, the clinical significance of this variant remains unclear.